The following is an entry in ClinVar:

ClinVar aggregate classification (germline): Uncertain significance. Review status: criteria provided, multiple submitters, no conflicts (2 of 4 stars). 2 submissions from 2 submitters: Uncertain significance (2). Last evaluated 2025-12-30.

Conditions:
Hereditary cancer-predisposing syndrome. Also called: Hereditary Cancer Syndrome; Tumor predisposition; Neoplastic Syndromes, Hereditary; Hereditary neoplastic syndrome. Identifiers: Orphanet 140162, MedGen C0027672, MeSH D009386, MONDO:0015356.

Allele frequency attached by ClinVar (database versions not stated): ExAC 0.00001; gnomAD exomes 0.00001.
gnomAD v4.1: 9 of 1,601,314 alleles (0.00056%); highest among the groups gnomAD compares: Non-Finnish European, 0.00076%; no homozygotes.

Submissions (2):

Labcorp Genetics (formerly Invitae), Labcorp
Classification: Uncertain significance. Last evaluated: 2025-12-30. Review status: criteria provided, single submitter. Criteria: Invitae Variant Classification Sherloc (09022015). Collection method: clinical testing. Allele origin: germline.
Comment: This sequence change replaces leucine, which is neutral and non-polar, with valine, which is neutral and non-polar, at codon 1734 of the POLE protein (p.Leu1734Val). This variant is present in population databases (rs771835909, gnomAD 0.002%). This variant has not been reported in the literature in individuals affected with POLE-related conditions. ClinVar contains an entry for this variant (Variation ID: 1015102). Invitae Evidence Modeling of protein sequence and biophysical properties (such as structural, functional, and spatial information, amino acid conservation, physicochemical variation, residue mobility, and thermodynamic stability) indicates that this missense variant is not expected to disrupt POLE protein function with a negative predictive value of 80%. In summary, the available evidence is currently insufficient to determine the role of this variant in disease. Therefore, it has been classified as a Variant of Uncertain Significance.

Ambry Genetics
Classification: Uncertain significance for Hereditary cancer-predisposing syndrome. Last evaluated: 2025-01-14. Review status: criteria provided, single submitter. Criteria: Ambry Variant Classification Scheme 2023. Collection method: clinical testing. Allele origin: germline.
Comment: The p.L1734V variant (also known as c.5200C>G), located in coding exon 39 of the POLE gene, results from a C to G substitution at nucleotide position 5200. The leucine at codon 1734 is replaced by valine, an amino acid with highly similar properties. This amino acid position is highly conserved in available vertebrate species. In addition, the in silico prediction for this alteration is inconclusive. Based on the available evidence, the clinical significance of this variant remains unclear.

NM_006231.4(POLE):c.5200C>G (p.Leu1734Val)

Gene: POLE (DNA polymerase epsilon, catalytic subunit; minus strand). Cytogenetic location: 12q24.33.
Variant type: single nucleotide variant.
Coding change: c.5200C>G on transcript NM_006231.4 (MANE Select); coding-DNA position 5200, C replaced by G.
Protein change: p.Leu1734Val; replaces leucine 1734 with valine.
Molecular consequence: missense variant.
Genome position (GRCh38, 1-based): chr12:132,641,825, G>C on the plus strand (C>G on the coding strand, the complement: POLE is on the minus strand). VCF-style: chr12-132641825-G-C. GRCh37 (hg19) VCF-style: chr12-133218411-G-C.
Other names: c.5200C>G (NM_006231.2); short protein forms L1734V.
Identifiers: ClinVar variation 1015102 (VCV001015102.9), dbSNP rs771835909, ClinGen allele CA6892596.